The following is an entry in ClinVar:

ClinVar aggregate classification (germline): Uncertain significance (1 of 4 stars; one submission).

Allele frequency attached by ClinVar (database versions not stated): gnomAD exomes below 0.00001 and 0.00001; ExAC 0.00001.
gnomAD v4.1: 3 of 1,614,182 alleles (0.00019%); highest among the groups gnomAD compares: Non-Finnish European, 0.00025%; no homozygotes.

Submission:

Labcorp Genetics (formerly Invitae), Labcorp
Classification: Uncertain significance. Last evaluated: 2019-12-15. Review status: criteria provided, single submitter. Criteria: Invitae Variant Classification Sherloc (09022015). Collection method: clinical testing. Allele origin: germline.
Comment: Algorithms developed to predict the effect of missense changes on protein structure and function (SIFT, PolyPhen-2, Align-GVGD) all suggest that this variant is likely to be disruptive, but these predictions have not been confirmed by published functional studies and their clinical significance is uncertain. This variant has not been reported in the literature in individuals with SLC25A12-related conditions. This variant is present in population databases (rs775466306, ExAC 0.001%). This sequence change replaces aspartic acid with valine at codon 562 of the SLC25A12 protein (p.Asp562Val). The aspartic acid residue is highly conserved and there is a large physicochemical difference between aspartic acid and valine. In summary, the available evidence is currently insufficient to determine the role of this variant in disease. Therefore, it has been classified as a Variant of Uncertain Significance.

NM_003705.5(SLC25A12):c.1685A>T (p.Asp562Val)

Gene: SLC25A12 (solute carrier family 25 member 12; minus strand). Cytogenetic location: 2q31.1.
Variant type: single nucleotide variant.
Coding change: c.1685A>T on transcript NM_003705.5 (MANE Select); coding-DNA position 1685, A replaced by T.
Protein change: p.Asp562Val; replaces aspartic acid 562 with valine.
Molecular consequence: missense variant. On other transcripts: non-coding transcript variant (1).
Genome position (GRCh38, 1-based): chr2:171,787,848, T>A on the plus strand (A>T on the coding strand, the complement: SLC25A12 is on the minus strand). VCF-style: chr2-171787848-T-A. GRCh37 (hg19) VCF-style: chr2-172644358-T-A.
Other names: short protein forms D562V.
Identifiers: ClinVar variation 849900 (VCV000849900.10), dbSNP rs775466306, ClinGen allele CA1966051.